The following is an entry in ClinVar:

NM_004369.4(COL6A3):c.1092C>T (p.Tyr364=)

Gene: COL6A3 (collagen type VI alpha 3 chain; minus strand). Cytogenetic location: 2q37.3.
Variant type: single nucleotide variant.
Coding change: c.1092C>T on transcript NM_004369.4 (MANE Select); coding-DNA position 1092, C replaced by T.
Protein change: p.Tyr364=; no amino-acid change (tyrosine 364 retained).
Molecular consequence: synonymous variant. On other transcripts: intron variant (2).
Genome position (GRCh38, 1-based): chr2:237,387,802, G>A on the plus strand (C>T on the coding strand, the complement: COL6A3 is on the minus strand). VCF-style: chr2-237387802-G-A. GRCh37 (hg19) VCF-style: chr2-238296445-G-A.
Other names: c.474C>T, p.Tyr158= (NM_057165.5, NM_057167.4); c.92-6303C>T (NM_057166.5, NM_057164.5).
Identifiers: ClinVar variation 767553 (VCV000767553.15), dbSNP rs548519047, ClinGen allele CA2189708.

ClinVar aggregate classification (germline): Conflicting classifications of pathogenicity. Review status: criteria provided, conflicting classifications (1 of 4 stars). 3 submissions from 3 submitters: Uncertain significance (1); Likely benign (1). 1 of the submissions does not count toward it. Last evaluated 2025-12-22.

Conditions:
COL6A3-related disorder. Also called: COL6A3-related condition; COL6A3-related disorders.
Bethlem myopathy 1A. Also called: Bethlem Muscular Dystrophy; MYOPATHY, BENIGN CONGENITAL, WITH CONTRACTURES; Bethlem myopathy 1. Identifiers: Orphanet 610, MedGen CN029274, MONDO:0024530, OMIM 158810.

Allele frequency attached by ClinVar (database versions not stated): gnomAD 0.00002; TOPMed 0.00002.
gnomAD v4.1: 50 of 1,614,004 alleles (0.0031%); highest among the groups gnomAD compares: East Asian, 0.06%; 1 homozygote.

Submissions (3):

Labcorp Genetics (formerly Invitae), Labcorp
Classification: Likely benign for Bethlem myopathy 1A. Last evaluated: 2025-12-22. Review status: criteria provided, single submitter. Criteria: Invitae Variant Classification Sherloc (09022015). Collection method: clinical testing. Allele origin: germline.

Revvity Omics, Revvity
Classification: Uncertain significance. Last evaluated: 2022-07-28. Review status: criteria provided, single submitter. Criteria: ACMG Guidelines, 2015. Collection method: clinical testing. Allele origin: germline.

PreventionGenetics, part of Exact Sciences
Classification: Likely benign for COL6A3-related condition. Last evaluated: 2019-04-25. Review status: no assertion criteria provided. Collection method: clinical testing. Allele origin: germline. Not counted in ClinVar's aggregate classification.
Comment: This variant is classified as likely benign based on ACMG/AMP sequence variant interpretation guidelines (Richards et al. 2015 PMID: 25741868, with internal and published modifications).